The following is an entry in ClinVar:

NM_000143.4(FH):c.240G>A (p.Lys80=)

Gene: FH (fumarate hydratase; minus strand). Cytogenetic location: 1q43.
Variant type: single nucleotide variant.
Coding change: c.240G>A on transcript NM_000143.4 (MANE Select); coding-DNA position 240, G replaced by A.
Protein change: p.Lys80=; no amino-acid change (lysine 80 retained).
Molecular consequence: synonymous variant.
Genome position (GRCh38, 1-based): chr1:241,517,209, C>T on the plus strand (G>A on the coding strand, the complement: FH is on the minus strand). VCF-style: chr1-241517209-C-T. GRCh37 (hg19) VCF-style: chr1-241680509-C-T.
Identifiers: ClinVar variation 821233 (VCV000821233.14), dbSNP rs1573888362, ClinGen allele CA424076574.
Genomic context (GRCh38, chr1:241,517,209, plus strand): 5'-AAAATAGCCAACATTTCCACAAATGCCACTTACTGGCATGCGTTCTGTCACACCTCCAAT[C>T]TTAAAGTTCATCGTAGATCTCACGGTCTGGGCGCCATAATACTTATCATTTGGCACCTTT-3'
Protein context (NP_000134.2, residues 70-90): AQTVRSTMNF[Lys80=]IGGVTERMPT

ClinVar aggregate classification (germline): Conflicting classifications of pathogenicity. Review status: criteria provided, conflicting classifications (1 of 4 stars). 4 submissions from 4 submitters: Uncertain significance (1); Benign (1); Likely benign (2). Last evaluated 2024-10-17.

Conditions:
Hereditary cancer-predisposing syndrome. Also called: Neoplastic Syndromes, Hereditary; Hereditary Cancer Syndrome; Hereditary neoplastic syndrome; Tumor predisposition. Identifiers: Orphanet 140162, MedGen C0027672, MeSH D009386, MONDO:0015356.
Hereditary leiomyomatosis and renal cell cancer. Also called: Reed syndrome; Multiple cutaneous and uterine leiomyomatosis; Cutaneous leiomyomata with uterine leiomyomata; Leiomyoma, hereditary multiple, of skin; Multiple cutaneous and uterine leiomyomata; Multiple cutaneous leiomyomas. Identifiers: Orphanet 523, MedGen C1708350, MONDO:0007888, OMIM 150800, HP:0007437. Disease mechanism: loss of function.

Submissions (4):

Myriad Genetics, Inc.
Classification: Benign for Hereditary leiomyomatosis and renal cell cancer. Last evaluated: 2024-10-17. Review status: criteria provided, single submitter. Criteria: Myriad Autosomal Dominant, Autosomal Recessive and X-Linked Classification Criteria (2023). Collection method: clinical testing. Allele origin: unknown.
Comment: This variant is considered benign. This variant is a silent/synonymous amino acid change and it is not expected to impact splicing.

Labcorp Genetics (formerly Invitae), Labcorp
Classification: Likely benign. Last evaluated: 2023-11-21. Review status: criteria provided, single submitter. Criteria: Invitae Variant Classification Sherloc (09022015). Collection method: clinical testing. Allele origin: germline.

Sema4
Classification: Uncertain significance for Hereditary cancer-predisposing syndrome. Last evaluated: 2022-03-18. Review status: criteria provided, single submitter. Criteria: Sema4 Curation Guidelines. Collection method: curation. Allele origin: germline.
Comment: The FH c.240G>A (p.K80=) variant has not been reported in the literature to our knowledge. It was not observed in the Genome Aggregation Database (PMID: 32461654). This variant has been reported in ClinVar (Variation ID 821233). The nucleotide is moderately conserved and in silico tools that predict the effect of sequence changes on splicing suggest that this variant may not impact splicing, though these predictions have not been confirmed by functional studies. The evidence is insufficient to meet ACMG/AMP criteria for classifying the variant as benign or pathogenic. Thus, the clinical significance of this variant is currently uncertain.

Ambry Genetics
Classification: Likely benign for Hereditary cancer-predisposing syndrome. Last evaluated: 2018-01-31. Review status: criteria provided, single submitter. Criteria: Ambry Variant Classification Scheme 2023. Collection method: clinical testing. Allele origin: germline.